The following is an entry in ClinVar:

NM_024009.3(GJB3):c.247T>C (p.Phe83Leu)

Gene: GJB3 (gap junction protein beta 3; plus strand). Cytogenetic location: 1p34.3.
Variant type: single nucleotide variant.
Coding change: c.247T>C on transcript NM_024009.3 (MANE Select); coding-DNA position 247, T replaced by C.
Protein change: p.Phe83Leu; replaces phenylalanine 83 with leucine.
Molecular consequence: missense variant.
Genome position (GRCh38, 1-based): chr1:34,785,009, T>C. VCF-style: chr1-34785009-T-C. GRCh37 (hg19) VCF-style: chr1-35250610-T-C.
Other names: c.247T>C, p.Phe83Leu (NM_001005752.2); short protein forms F83L.
Identifiers: ClinVar variation 1801955 (VCV001801955.1), dbSNP rs757555087, ClinGen allele CA754783.

ClinVar aggregate classification (germline): Uncertain significance (1 of 4 stars; one submission).

Allele frequency attached by ClinVar (database versions not stated): gnomAD exomes below 0.00001; ExAC 0.00001; gnomAD 0.00001; TOPMed 0.00001.
gnomAD v4.1: 3 of 1,614,050 alleles (0.00019%); highest among the groups gnomAD compares: Non-Finnish European, 0.00025%; no homozygotes.

Submission:

GeneDx
Classification: Uncertain significance. Last evaluated: 2022-05-31. Review status: criteria provided, single submitter. Criteria: GeneDx Variant Classification Process June 2021. Collection method: clinical testing. Allele origin: germline. Affected: yes.
Comment: In silico analysis supports that this missense variant does not alter protein structure/function; Has not been previously published as pathogenic or benign to our knowledge